The following is an entry in ClinVar:

NM_003242.6(TGFBR2):c.269A>C (p.Lys90Thr)

Gene: TGFBR2 (transforming growth factor beta receptor 2; plus strand). Cytogenetic location: 3p24.1.
Variant type: single nucleotide variant.
Coding change: c.269A>C on transcript NM_003242.6 (MANE Select); coding-DNA position 269, A replaced by C.
Protein change: p.Lys90Thr; replaces lysine 90 with threonine.
Molecular consequence: missense variant. On other transcripts: intron variant (2).
Genome position (GRCh38, 1-based): chr3:30,650,275, A>C. VCF-style: chr3-30650275-A-C. GRCh37 (hg19) VCF-style: chr3-30691767-A-C.
Other names: c.344A>C, p.Lys115Thr (NM_001024847.3, NM_001407126.1, NM_001407139.1); c.269A>C, p.Lys90Thr (NM_001407127.1, NM_001407130.1); c.296A>C, p.Lys99Thr (NM_001407128.1); c.164A>C, p.Lys55Thr (NM_001407129.1, NM_001407132.1, NM_001407133.1 and 3 more transcripts); c.170-21363A>C (NM_001407137.1); c.95-21363A>C (NM_001407138.1); short protein forms K55T, K90T, K99T, K115T.
Identifiers: ClinVar variation 2834842 (VCV002834842.3), dbSNP rs2125409801, ClinGen allele CA351806705.

ClinVar aggregate classification (germline): Uncertain significance (1 of 4 stars; one submission).

Conditions:
Familial thoracic aortic aneurysm and aortic dissection (TAAD). Also called: Thoracic aortic aneurysms and dissections. Identifiers: Orphanet 91387, MedGen C4707243, MONDO:0019625.

Allele frequency attached by ClinVar (database versions not stated): gnomAD exomes below 0.00001.
gnomAD v4.1: 1 of 1,613,980 alleles (0.000062%); highest among the groups gnomAD compares: Admixed American, 0.0017%; no homozygotes.

Submission:

Labcorp Genetics (formerly Invitae), Labcorp
Classification: Uncertain significance for Familial thoracic aortic aneurysm and aortic dissection. Last evaluated: 2023-02-05. Review status: criteria provided, single submitter. Criteria: Invitae Variant Classification Sherloc (09022015). Collection method: clinical testing. Allele origin: germline.
Comment: Advanced modeling of protein sequence and biophysical properties (such as structural, functional, and spatial information, amino acid conservation, physicochemical variation, residue mobility, and thermodynamic stability) performed at Invitae indicates that this missense variant is not expected to disrupt TGFBR2 protein function. This variant has not been reported in the literature in individuals affected with TGFBR2-related conditions. This variant is not present in population databases (gnomAD no frequency). This sequence change replaces lysine, which is basic and polar, with threonine, which is neutral and polar, at codon 90 of the TGFBR2 protein (p.Lys90Thr). In summary, the available evidence is currently insufficient to determine the role of this variant in disease. Therefore, it has been classified as a Variant of Uncertain Significance.